The following is an entry in ClinVar:

ClinVar aggregate classification (germline): Likely benign. Review status: criteria provided, multiple submitters, no conflicts (2 of 4 stars). 2 submissions from 2 submitters: Likely benign (2). Last evaluated 2025-03-19.

Conditions:
FAH-related disorder. Also called: FAH-related condition.
Tyrosinemia type I (TYRSN1). Also called: Tyrosinemia type 1; Fumarylacetoacetase deficiency; FAH DEFICIENCY; HEPATORENAL TYROSINEMIA; Deficiency of fumarylacetoacetase. Identifiers: Orphanet 882, MedGen C0268490, MONDO:0010161, OMIM 276700. Disease mechanism: loss of function.

Allele frequency attached by ClinVar (database versions not stated): gnomAD exomes below 0.00001; TOPMed below 0.00001.
gnomAD v4.1: 2 of 1,613,954 alleles (0.00012%); highest among the groups gnomAD compares: Middle Eastern, 0.017%; no homozygotes.

Submissions (2):

PreventionGenetics, part of Exact Sciences
Classification: Likely benign for FAH-related condition. Last evaluated: 2025-03-19. Review status: criteria provided, single submitter. Criteria: ACMG Guidelines, 2015. Collection method: clinical testing. Allele origin: germline.
Comment: This variant is classified as likely benign based on ACMG/AMP sequence variant interpretation guidelines (Richards et al. 2015 PMID: 25741868, with internal and published modifications).

Labcorp Genetics (formerly Invitae), Labcorp
Classification: Likely benign for Tyrosinemia type I. Last evaluated: 2023-10-19. Review status: criteria provided, single submitter. Criteria: Invitae Variant Classification Sherloc (09022015). Collection method: clinical testing. Allele origin: germline.

NM_000137.4(FAH):c.102G>A (p.Val34=)

Gene: FAH (fumarylacetoacetate hydrolase; plus strand). Cytogenetic location: 15q25.1.
Variant type: single nucleotide variant.
Coding change: c.102G>A on transcript NM_000137.4 (MANE Select); coding-DNA position 102, G replaced by A.
Protein change: p.Val34=; no amino-acid change (valine 34 retained).
Molecular consequence: synonymous variant.
Genome position (GRCh38, 1-based): chr15:80,158,080, G>A. VCF-style: chr15-80158080-G-A. GRCh37 (hg19) VCF-style: chr15-80450422-G-A.
Other names: c.102G>A (NM_000137.2); c.102G>A, p.Val34= (NM_001374377.1, NM_001374380.1).
Identifiers: ClinVar variation 3010215 (VCV003010215.4), dbSNP rs1567114315, ClinGen allele CA491673907.